The following is an entry in ClinVar:

ClinVar aggregate classification (germline): Uncertain significance (1 of 4 stars; one submission).

Allele frequency attached by ClinVar (database versions not stated): TOPMed below 0.00001; gnomAD 0.00001.

Submission:

GeneDx
Classification: Uncertain significance. Last evaluated: 2023-02-09. Review status: criteria provided, single submitter. Criteria: GeneDx Variant Classification Process June 2021. Collection method: clinical testing. Allele origin: germline. Affected: yes.
Comment: Not observed at significant frequency in large population cohorts (gnomAD); In silico analysis supports that this missense variant does not alter protein structure/function; Has not been previously published as pathogenic or benign to our knowledge

NM_005378.6(MYCN):c.1049T>C (p.Ile350Thr)

Gene: MYCN (MYCN proto-oncogene, bHLH transcription factor; plus strand). Cytogenetic location: 2p24.3.
Variant type: single nucleotide variant.
Coding change: c.1049T>C on transcript NM_005378.6 (MANE Select); coding-DNA position 1049, T replaced by C.
Protein change: p.Ile350Thr; replaces isoleucine 350 with threonine.
Molecular consequence: missense variant. On other transcripts: 3 prime UTR variant (1).
Genome position (GRCh38, 1-based): chr2:15,945,751, T>C. VCF-style: chr2-15945751-T-C. GRCh37 (hg19) VCF-style: chr2-16085873-T-C.
Other names: c.1049T>C, p.Ile350Thr (NM_001293228.2); c.416T>C, p.Ile139Thr (NM_001293231.2); c.*984T>C (NM_001293233.2); short protein forms I139T, I350T.
Identifiers: ClinVar variation 2575842 (VCV002575842.1), dbSNP rs1241708907, ClinGen allele CA345932167.